The following is an entry in ClinVar:

ClinVar aggregate classification (germline): Pathogenic (1 of 4 stars; one submission).

Conditions:
Hereditary cancer-predisposing syndrome. Also called: Neoplastic Syndromes, Hereditary; Tumor predisposition; Hereditary Cancer Syndrome; Hereditary neoplastic syndrome. Identifiers: Orphanet 140162, MedGen C0027672, MeSH D009386, MONDO:0015356.

Submission:

Ambry Genetics
Classification: Pathogenic for Hereditary cancer-predisposing syndrome. Last evaluated: 2021-11-04. Review status: criteria provided, single submitter. Criteria: Ambry Variant Classification Scheme 2023. Collection method: clinical testing. Allele origin: germline.
Comment: The c.1781_1782delAT pathogenic mutation, located in coding exon 14 of the APC gene, results from a deletion of two nucleotides at nucleotide positions 1781 to 1782, causing a translational frameshift with a predicted alternate stop codon (p.N594Ifs*7). This variant is considered to be rare based on population cohorts in the Genome Aggregation Database (gnomAD). This alteration is expected to result in loss of function by premature protein truncation or nonsense-mediated mRNA decay. As such, this alteration is interpreted as a disease-causing mutation.

NM_000038.6(APC):c.1781_1782del (p.Asn594fs)

Gene: APC (APC regulator of Wnt signaling pathway; plus strand). Cytogenetic location: 5q22.2.
Variant type: Deletion.
Coding change: c.1781_1782del on transcript NM_000038.6 (MANE Select); coding-DNA positions 1781 to 1782, 2 bases deleted (AT; older notation c.1781_1782delAT).
Protein change: p.Asn594fs; shifts the reading frame from asparagine 594.
Molecular consequence: frameshift variant.
Genome position (GRCh38, 1-based): chr5:112,834,988-112,834,989, AT deleted. VCF-style (leftmost placement, unchanged base first): chr5-112834987-AAT-A. GRCh37 (hg19) VCF-style: chr5-112170684-AAT-A.
Other names: c.1781_1782del, p.Asn594fs (NM_001127510.3, NM_001354895.2); c.1727_1728del, p.Asn576fs (NM_001127511.3); c.1835_1836del, p.Asn612fs (NM_001354896.2); c.1811_1812del, p.Asn604fs (NM_001354897.2); c.1706_1707del, p.Asn569fs (NM_001354898.2); c.1697_1698del, p.Asn566fs (NM_001354899.2); c.1658_1659del, p.Asn553fs (NM_001354900.2); c.1604_1605del, p.Asn535fs (NM_001354901.2); and 16 more; short protein forms N434fs, N468fs, N535fs, N604fs, N311fs, N493fs, N569fs, N594fs.
Identifiers: ClinVar variation 1779994 (VCV001779994.2), dbSNP rs2533333527, ClinGen allele CA2580072467.
Genomic context (GRCh38, chr5:112,834,987, plus strand): 5'-GACCCATATTCTGTTTCTTACTAGGAATCAACCCTCAAAAGCGTATTGAGTGCCTTATGG[AAT>A]TTGTCAGCACATTGCACTGAGAATAAAGCTGATATATGTGCTGTAGATGGTGCACTTGCA-3'